The following is an entry in ClinVar:

ClinVar aggregate classification (germline): Uncertain significance (1 of 4 stars; one submission).

Conditions:
ANK2-related neurodevelopmental disorder.

Submission:

Dasa
Classification: Uncertain significance for ANK2-related neurodevelopmental disorder. Last evaluated: 2025-11-25. Review status: criteria provided, single submitter. Criteria: DASA Assertion Criteria. Collection method: clinical testing. Allele origin: germline.
Comment: NM_001148.6(ANK2):c.2376+1G>A affects a canonical splice site and is predicted to disrupt normal RNA splicing. This variant is rare in population databases. The currently available literature and clinical evidence are not sufficient to establish a definitive association between this variant and the reported condition. Therefore, this variant is classified as a variant of uncertain significance.

NM_001148.6(ANK2):c.2376+1G>A

Gene: ANK2 (ankyrin 2; plus strand). Cytogenetic location: 4q26.
Variant type: single nucleotide variant.
Coding change: c.2376+1G>A on transcript NM_001148.6 (MANE Select); the canonical splice donor site of the intron after coding-DNA position 2376, G replaced by A.
Molecular consequence: splice donor variant.
Genome position (GRCh38, 1-based): chr4:113,292,515, G>A. VCF-style: chr4-113292515-G-A. GRCh37 (hg19) VCF-style: chr4-114213671-G-A.
Other names: c.2421+1G>A (NM_001354237.2, NM_001354230.2, NM_001354231.2 and 5 more transcripts); c.2427+1G>A (NM_001386174.1); c.2403+1G>A (NM_001386175.1); c.2289+1G>A (NM_001354266.2, NM_001354276.2, NM_001386146.1 and 10 more transcripts); c.2190+1G>A (NM_001386151.1, NM_001354260.2, NM_001354271.2); c.2091+1G>A (NM_001386157.1, NM_001354277.2); c.2313+1G>A (NM_001386161.1, NM_001354254.2, NM_001354239.2 and 10 more transcripts); c.2334+1G>A (NM_001354261.2, NM_001386147.1, NM_001386160.1); and 8 more.
Identifiers: ClinVar variation 4880986 (VCV004880986.2).
Genomic context (GRCh38, chr4:113,292,515, plus strand): 5'-CACACGCACATCATCAACGTCCTGCTCCAGCATGGGGCCAAGCCCAACGCCACCACTGCG[G>A]TAAGGCAGACGCCACTGCCCCTCACCACGCTTTCTTCTTTTTCCTCTCTTGCCCTGGTGG-3'